The following is an entry in ClinVar:

NC_000008.10:g.(?_118819436)_(118825220_?)del

Gene: EXT1 (exostosin glycosyltransferase 1; minus strand). Cytogenetic location: 8q24.11.
Variant type: Deletion.
Identifiers: ClinVar variation 1457851 (VCV001457851.6).

ClinVar aggregate classification (germline): Pathogenic (1 of 4 stars; one submission).

Conditions:
Multiple congenital exostosis (EXT). Also called: Multiple osteochondromas; MULTIPLE CARTILAGINOUS EXOSTOSES; Hereditary multiple exostoses; Hereditary multiple exostosis; Hereditary multiple osteochondromas; Multiple exostoses. Identifiers: Orphanet 321, MedGen C0015306, MONDO:0005508, HP:0002762.

Submission:

Labcorp Genetics (formerly Invitae), Labcorp
Classification: Pathogenic for Multiple congenital exostosis. Last evaluated: 2021-03-15. Review status: criteria provided, single submitter. Criteria: Invitae Variant Classification Sherloc (09022015). Collection method: clinical testing. Allele origin: germline.
Comment: For these reasons, this variant has been classified as Pathogenic. This variant has not been reported in the literature in individuals with EXT1-related conditions. This variant is a gross deletion of the genomic region encompassing exon(s) 8-9 of the EXT1 gene. This deletion is out-of-frame, and is expected to create a premature translational stop signal and result in an absent or disrupted protein product. Loss-of-function variants in EXT1 are known to be pathogenic (PMID: 10679937, 11391482, 19810120).

Literature cited by the submitters: PubMed 10679937; PubMed 11391482; PubMed 19810120.